The following is an entry in ClinVar:

NM_004304.5(ALK):c.836C>G (p.Pro279Arg)

Gene: ALK (ALK receptor tyrosine kinase; minus strand). Cytogenetic location: 2p23.2.
Variant type: single nucleotide variant.
Coding change: c.836C>G on transcript NM_004304.5 (MANE Select); coding-DNA position 836, C replaced by G.
Protein change: p.Pro279Arg; replaces proline 279 with arginine.
Molecular consequence: missense variant.
Genome position (GRCh38, 1-based): chr2:29,694,966, G>C on the plus strand (C>G on the coding strand, the complement: ALK is on the minus strand). VCF-style: chr2-29694966-G-C. GRCh37 (hg19) VCF-style: chr2-29917832-G-C.
Other names: c.836C>G (NM_004304.4); short protein forms P279R.
Identifiers: ClinVar variation 3677375 (VCV003677375.3).

ClinVar aggregate classification (germline): Uncertain significance. Review status: criteria provided, multiple submitters, no conflicts (2 of 4 stars). 2 submissions from 2 submitters: Uncertain significance (2). Last evaluated 2026-04-26.

Conditions:
Neuroblastoma, susceptibility to, 3. Also called: ALK-Related Neuroblastic Tumor Susceptibility. Identifiers: Orphanet 635, MedGen C2751681, MONDO:0013083, OMIM 613014.
Hereditary cancer-predisposing syndrome. Also called: Hereditary neoplastic syndrome; Tumor predisposition; Hereditary Cancer Syndrome; Neoplastic Syndromes, Hereditary. Identifiers: Orphanet 140162, MedGen C0027672, MeSH D009386, MONDO:0015356.

Submissions (2):

Ambry Genetics
Classification: Uncertain significance for Hereditary cancer-predisposing syndrome. Last evaluated: 2026-04-26. Review status: criteria provided, single submitter. Criteria: Ambry Variant Classification Scheme 2023. Collection method: clinical testing. Allele origin: germline.
Comment: The p.P279R variant (also known as c.836C>G), located in coding exon 3 of the ALK gene, results from a C to G substitution at nucleotide position 836. The proline at codon 279 is replaced by arginine, an amino acid with dissimilar properties. This amino acid position is conserved. In addition, the in silico prediction for this alteration is inconclusive. Based on the available evidence, the clinical significance of this variant remains unclear.

Labcorp Genetics (formerly Invitae), Labcorp
Classification: Uncertain significance for Neuroblastoma, susceptibility to, 3. Last evaluated: 2024-05-26. Review status: criteria provided, single submitter. Criteria: Invitae Variant Classification Sherloc (09022015). Collection method: clinical testing. Allele origin: germline.
Comment: This sequence change replaces proline, which is neutral and non-polar, with arginine, which is basic and polar, at codon 279 of the ALK protein (p.Pro279Arg). This variant is not present in population databases (gnomAD no frequency). This variant has not been reported in the literature in individuals affected with ALK-related conditions. An algorithm developed to predict the effect of missense changes on protein structure and function (PolyPhen-2) suggests that this variant is likely to be disruptive. In summary, the available evidence is currently insufficient to determine the role of this variant in disease. Therefore, it has been classified as a Variant of Uncertain Significance.